The following is an entry in ClinVar:

ClinVar aggregate classification (germline): Pathogenic/Likely pathogenic. Review status: criteria provided, multiple submitters, no conflicts (2 of 4 stars). 3 submissions from 3 submitters: Pathogenic (2); Likely pathogenic (1). Last evaluated 2025-07-28.

Conditions:
Pontoneocerebellar hypoplasia. Also called: Pontocerebellar hypoplasia; Non-syndromic pontocerebellar hypoplasia. Identifiers: Orphanet 98523, MedGen C1261175, MONDO:0020135.
Pontocerebellar hypoplasia type 1A (PCH1A). Also called: PONTOCEREBELLAR HYPOPLASIA WITH ANTERIOR HORN CELL DISEASE; PONTOCEREBELLAR HYPOPLASIA WITH INFANTILE SPINAL MUSCULAR ATROPHY. Identifiers: Orphanet 2254, Orphanet 88616, MedGen C1843504, MONDO:0011866, OMIM 607596.

Submissions (3):

Natera, Inc.
Classification: Likely pathogenic for Pontocerebellar hypoplasia, type 1a. Last evaluated: 2025-07-28. Review status: criteria provided, single submitter. Criteria: Natera Variant Classification Schema (03/2026). Collection method: clinical testing. Allele origin: germline.
Comment: The c.1144_1145insCTCG variant in VRK1 is a frameshift variant predicted to elongate the protein beyond the termination codon. This variant is expected to result in nonsense mediated decay, truncation, or a dysfunctional protein product. This variant is rare in the general population with a frequency below the threshold expected for the associated phenotype(s). Given the available evidence, this variant is classified as Likely Pathogenic.

Women's Health and Genetics/Laboratory Corporation of America, LabCorp
Classification: Pathogenic for Pontoneocerebellar hypoplasia. Last evaluated: 2025-04-24. Review status: criteria provided, single submitter. Criteria: LabCorp Variant Classification Summary - May 2015. Collection method: clinical testing. Allele origin: germline.
Comment: Variant summary: VRK1 c.1144_1145insCTCG (p.Glu382AlafsX22) causes a frameshift which results in an extension of the protein. The variant was absent in 251304 control chromosomes. To our knowledge, no occurrence of c.1144_1145insCTCG in individuals affected with Pontocerebellar Hypoplasia, Type 1A and no experimental evidence demonstrating its impact on protein function have been reported. At least one downstream variant has been classified as Pathogenic by our lab (c.1160G>A, p.Arg387His), providing evidence that the region altered by the variant is critical to protein function. ClinVar contains an entry for this variant (Variation ID: 2637622). Based on the evidence outlined above, the variant was classified as pathogenic.

Labcorp Genetics (formerly Invitae), Labcorp
Classification: Pathogenic for Pontocerebellar hypoplasia type 1A. Last evaluated: 2023-01-28. Review status: criteria provided, single submitter. Criteria: Invitae Variant Classification Sherloc (09022015). Collection method: clinical testing. Allele origin: germline.
Comment: This sequence change results in a frameshift in the VRK1 gene (p.Glu382Alafs*22). While this is not anticipated to result in nonsense mediated decay, it is expected to disrupt the last 15 amino acid(s) of the VRK1 protein and extend the protein by 6 additional amino acid residues. This variant is not present in population databases (gnomAD no frequency). This variant has not been reported in the literature in individuals affected with VRK1-related conditions. This variant disrupts a region of the VRK1 protein in which other variant(s) (p.Arg387His) have been determined to be pathogenic (PMID: 31837156; Invitae). This suggests that this is a clinically significant region of the protein, and that variants that disrupt it are likely to be disease-causing. For these reasons, this variant has been classified as Pathogenic.

Literature cited by the submitters: PubMed 31837156 (cited by Labcorp Genetics (formerly Invitae), Labcorp).

NM_003384.3(VRK1):c.1144_1145insCTCG (p.Glu382fs)

Gene: VRK1 (VRK serine/threonine kinase 1; plus strand). Cytogenetic location: 14q32.2.
Variant type: Insertion.
Coding change: c.1144_1145insCTCG on transcript NM_003384.3 (MANE Select); coding-DNA positions 1144 to 1145, CTCG inserted.
Protein change: p.Glu382fs; shifts the reading frame from glutamic acid 382.
Molecular consequence: frameshift variant.
Genome position: GRCh38 VCF-style: chr14-96876104-G-GGCTC. GRCh37 (hg19) VCF-style: chr14-97342441-G-GGCTC.
Other names: c.1144_1145insCTCG (NM_003384.2); c.1144_1145insCTCG, p.Glu382fs (NM_001411051.1); c.1141_1142insCTCG, p.Glu381fs (NM_001411053.1); short protein forms E381fs, E382fs.
Identifiers: ClinVar variation 2637622 (VCV002637622.6), dbSNP rs2504252312, ClinGen allele CA2695197220.